The following is an entry in ClinVar:

NM_000321.3(RB1):c.2439T>G (p.Tyr813Ter)

Gene: RB1 (RB transcriptional corepressor 1; plus strand). Cytogenetic location: 13q14.2.
Variant type: single nucleotide variant.
Coding change: c.2439T>G on transcript NM_000321.3 (MANE Select); coding-DNA position 2439, T replaced by G.
Protein change: p.Tyr813Ter; replaces tyrosine 813 with a stop codon.
Molecular consequence: nonsense.
Genome position (GRCh38, 1-based): chr13:48,465,318, T>G. VCF-style: chr13-48465318-T-G. GRCh37 (hg19) VCF-style: chr13-49039454-T-G.
Other names: short protein forms Y813*.
Identifiers: ClinVar variation 428718 (VCV000428718.4), dbSNP rs774744607, ClinGen allele CA388167986.

ClinVar aggregate classification (germline): Pathogenic. Review status: criteria provided, multiple submitters, no conflicts (2 of 4 stars). 2 submissions from 2 submitters: Pathogenic (2). Last evaluated 2025-08-05.

Conditions:
Hereditary cancer-predisposing syndrome. Also called: Hereditary Cancer Syndrome; Neoplastic Syndromes, Hereditary; Hereditary neoplastic syndrome; Tumor predisposition. Identifiers: Orphanet 140162, MedGen C0027672, MeSH D009386, MONDO:0015356.

Submissions (2):

GeneDx
Classification: Pathogenic. Last evaluated: 2025-08-05. Review status: criteria provided, single submitter. Criteria: GeneDx Variant Classification Process June 2021. Collection method: clinical testing. Allele origin: germline. Affected: yes.
Comment: Nonsense variant predicted to result in protein truncation or nonsense mediated decay in a gene for which loss of function is a known mechanism of disease; Not observed at significant frequency in large population cohorts (gnomAD); This variant is associated with the following publications: (PMID: 25525159, 12541220, 29568217)

Ambry Genetics
Classification: Pathogenic for Hereditary cancer-predisposing syndrome. Last evaluated: 2016-02-12. Review status: criteria provided, single submitter. Criteria: Ambry Autosomal Dominant and X-Linked criteria (10/2015). Collection method: clinical testing. Allele origin: germline. Observed: 1 variant allele.
Comment: The p.Y813* pathogenic mutation (also known as c.2439T>G), located in coding exon 23 of the RB1 gene, results from a T to G substitution at nucleotide position 2439. This changes the amino acid from a tyrosine to a stop codon within coding exon 23. This alteration was previously detected inone family ina cohort of individuals withbilateral or unilateralfamilialretinoblastoma(Richter S et al.Am. J. Hum. Genet.2003;72(2):253-69). In addition to the clinical information presented in the literature, since premature stop codons are typically deleterious in nature, this alteration is interpreted as a disease-causing mutation (ACMG Recommendations for Standards for Interpretation and Reporting of Sequence Variations. Revision 2007. Genet Med. 2008;10:294).<br />

Literature cited by the submitters: PubMed 12541220 (cited by Ambry Genetics).